The following is an entry in ClinVar:

ClinVar aggregate classification (germline): Pathogenic (1 of 4 stars; one submission).

Submission:

Labcorp Genetics (formerly Invitae), Labcorp
Classification: Pathogenic. Last evaluated: 2025-11-10. Review status: criteria provided, single submitter. Criteria: Invitae Variant Classification Sherloc (09022015). Collection method: clinical testing. Allele origin: germline.
Comment: This sequence change creates a premature translational stop signal (p.His3305Thrfs*21) in the FRAS1 gene. It is expected to result in an absent or disrupted protein product. Loss-of-function variants in FRAS1 are known to be pathogenic (PMID: 12766769, 18671281). This variant is not present in population databases (gnomAD no frequency). This variant has not been reported in the literature in individuals affected with FRAS1-related conditions. Algorithms developed to predict the effect of sequence changes on RNA splicing suggest that this variant may disrupt the consensus splice site. For these reasons, this variant has been classified as Pathogenic.

Literature cited by the submitters: PubMed 12766769; PubMed 18671281.

NM_025074.7(FRAS1):c.9913del (p.His3305fs)

Gene: FRAS1 (Fraser extracellular matrix complex subunit 1; plus strand). Cytogenetic location: 4q21.21.
Variant type: Deletion.
Coding change: c.9913del on transcript NM_025074.7 (MANE Select); coding-DNA position 9913, one base deleted (C; older notation c.9913delC).
Protein change: p.His3305fs; shifts the reading frame from histidine 3305.
Molecular consequence: frameshift variant.
Genome position (GRCh38, 1-based): chr4:78,511,406, C deleted; the last of 2 consecutive C bases (chr4:78,511,405-78,511,406); deleting either gives the same sequence. VCF-style (leftmost placement, unchanged base first): chr4-78511404-GC-G. GRCh37 (hg19) VCF-style: chr4-79432558-GC-G.
Other names: short protein forms H3305fs.
Identifiers: ClinVar variation 4730920 (VCV004730920.1).